The following is an entry in ClinVar:

NM_052945.4(TNFRSF13C):c.52C>T (p.Pro18Ser)

Genes: TNFRSF13C (TNF receptor superfamily member 13C; minus strand), LOC130067574 (ATAC-STARR-seq lymphoblastoid silent region 13813; plus strand). Cytogenetic location: 22q13.2.
Variant type: single nucleotide variant.
Coding change: c.52C>T on transcript NM_052945.4 (MANE Select); coding-DNA position 52, C replaced by T.
Protein change: p.Pro18Ser; replaces proline 18 with serine.
Molecular consequence: missense variant.
Genome position (GRCh38, 1-based): chr22:41,926,722, G>A on the plus strand (C>T on the coding strand, the complement: TNFRSF13C is on the minus strand). VCF-style: chr22-41926722-G-A. GRCh37 (hg19) VCF-style: chr22-42322726-G-A.
Other names: short protein forms P18S.
Identifiers: ClinVar variation 2974559 (VCV002974559.3), dbSNP rs2077634829, ClinGen allele CA411763803.
Genomic context (GRCh38, chr22:41,926,722, plus strand): 5'-GGAGCCCGCAGGCCACGCAGTGGCGGACCAGCAGGTCGAAGCACTCGGCCGGGACGCAGG[G>A]CGTGGGGGCTGGCGCGTCCCTGCCCCGCAGGCTCCGGGGCCCTCGCCTCATGGTGCCGAC-3'
Protein context (NP_443177.1, residues 8-28): LRGRDAPAPT[Pro18Ser]CVPAECFDLL

ClinVar aggregate classification (germline): Uncertain significance (1 of 4 stars; one submission).

Conditions:
Immunodeficiency, common variable, 4. Also called: ANTIBODY DEFICIENCY DUE TO BAFFR DEFECT. Identifiers: Orphanet 1572, Orphanet 696925, MedGen C3150739, MONDO:0013284, OMIM 613494.

Allele frequency attached by ClinVar (database versions not stated): TOPMed 0.00001.

Submission:

Labcorp Genetics (formerly Invitae), Labcorp
Classification: Uncertain significance for Immunodeficiency, common variable, 4. Last evaluated: 2025-05-06. Review status: criteria provided, single submitter. Criteria: Invitae Variant Classification Sherloc (09022015). Collection method: clinical testing. Allele origin: germline.
Comment: This sequence change replaces proline, which is neutral and non-polar, with serine, which is neutral and polar, at codon 18 of the TNFRSF13C protein (p.Pro18Ser). This variant is not present in population databases (gnomAD no frequency). This variant has not been reported in the literature in individuals affected with TNFRSF13C-related conditions. ClinVar contains an entry for this variant (Variation ID: 2974559). An algorithm developed to predict the effect of missense changes on protein structure and function outputs the following: PolyPhen-2: "Benign". The serine amino acid residue is found in multiple mammalian species, which suggests that this missense change does not adversely affect protein function. In summary, the available evidence is currently insufficient to determine the role of this variant in disease. Therefore, it has been classified as a Variant of Uncertain Significance.